The following is an entry in ClinVar:

NM_022455.5(NSD1):c.6899C>G (p.Ala2300Gly)

Gene: NSD1 (nuclear receptor binding SET domain protein 1; plus strand). Cytogenetic location: 5q35.3.
Variant type: single nucleotide variant.
Coding change: c.6899C>G on transcript NM_022455.5 (MANE Select); coding-DNA position 6899, C replaced by G.
Protein change: p.Ala2300Gly; replaces alanine 2300 with glycine.
Molecular consequence: missense variant.
Genome position (GRCh38, 1-based): chr5:177,294,267, C>G. VCF-style: chr5-177294267-C-G. GRCh37 (hg19) VCF-style: chr5-176721268-C-G.
Other names: c.6026C>G, p.Ala2009Gly (NM_001365684.2, NM_001409308.1, NM_172349.5); c.6899C>G, p.Ala2300Gly (NM_001409301.1, NM_001409302.1, NM_001409303.1); c.6479C>G, p.Ala2160Gly (NM_001409304.1); c.6146C>G, p.Ala2049Gly (NM_001409305.1); c.6137C>G, p.Ala2046Gly (NM_001409306.1, NM_001409307.1); c.5777C>G, p.Ala1926Gly (NM_001409309.1); short protein forms A1926G, A2009G, A2046G, A2049G, A2160G, A2300G.
Identifiers: ClinVar variation 2573610 (VCV002573610.1), dbSNP rs371532898, ClinGen allele CA3578063.

ClinVar aggregate classification (germline): Uncertain significance (1 of 4 stars; one submission).

Allele frequency attached by ClinVar (database versions not stated): ExAC 0.00001; TOPMed 0.00006; ESP Exome Variant Server 0.00008.
gnomAD v4.1: 8 of 1,613,450 alleles (0.0005%); highest among the groups gnomAD compares: African/African-American, 0.011%; no homozygotes.

Submission:

Women's Health and Genetics/Laboratory Corporation of America, LabCorp
Classification: Uncertain significance. Last evaluated: 2023-06-23. Review status: criteria provided, single submitter. Criteria: LabCorp Variant Classification Summary - May 2015. Collection method: clinical testing. Allele origin: germline.
Comment: Variant summary: NSD1 c.6899C>G (p.Ala2300Gly) results in a non-conservative amino acid change in the encoded protein sequence. Three of five in-silico tools predict a benign effect of the variant on protein function. The variant allele was found at a frequency of 8e-06 in 250748 control chromosomes. The available data on variant occurrences in the general population are insufficient to allow any conclusion about variant significance. To our knowledge, no occurrence of c.6899C>G in individuals affected with Sotos Syndrome 1 and no experimental evidence demonstrating its impact on protein function have been reported. No submitters have cited clinical-significance assessments for this variant to ClinVar after 2014. Based on the evidence outlined above, the variant was classified as uncertain significance.